The following is an entry in ClinVar:

NM_006031.6(PCNT):c.2637C>T (p.Thr879=)

Gene: PCNT (pericentrin; plus strand). Cytogenetic location: 21q22.3.
Variant type: single nucleotide variant.
Coding change: c.2637C>T on transcript NM_006031.6 (MANE Select); coding-DNA position 2637, C replaced by T.
Protein change: p.Thr879=; no amino-acid change (threonine 879 retained).
Molecular consequence: synonymous variant.
Genome position (GRCh38, 1-based): chr21:46,366,611, C>T. VCF-style: chr21-46366611-C-T. GRCh37 (hg19) VCF-style: chr21-47786526-C-T.
Other names: c.2283C>T, p.Thr761= (NM_001315529.2); c.2637C>T (NM_006031.5).
Identifiers: ClinVar variation 1644517 (VCV001644517.11), dbSNP rs369248579, ClinGen allele CA10079055.

ClinVar aggregate classification (germline): Likely benign. Review status: criteria provided, multiple submitters, no conflicts (2 of 4 stars). 3 submissions from 3 submitters: Likely benign (2). 1 of the submissions does not count toward it. Last evaluated 2026-09-01.

Conditions:
PCNT-related disorder. Also called: PCNT-related condition.

Allele frequency attached by ClinVar (database versions not stated): ExAC 0.00002; ESP Exome Variant Server 0.00015.
gnomAD v4.1: 51 of 1,613,942 alleles (0.0032%); highest among the groups gnomAD compares: East Asian, 0.0067%; no homozygotes.

Submissions (3):

CeGaT Center for Human Genetics Tuebingen
Classification: Likely benign. Last evaluated: 2026-09-01. Review status: criteria provided, single submitter. Criteria: CeGaT Center For Human Genetics Tuebingen Variant Classification Criteria Version 2. Collection method: clinical testing. Allele origin: germline. Affected: yes. Observed: 1 variant allele.
Comment: PCNT: BP4, BP7

Labcorp Genetics (formerly Invitae), Labcorp
Classification: Likely benign. Last evaluated: 2026-01-21. Review status: criteria provided, single submitter. Criteria: Invitae Variant Classification Sherloc (09022015). Collection method: clinical testing. Allele origin: germline.

PreventionGenetics, part of Exact Sciences
Classification: Likely benign for PCNT-related condition. Last evaluated: 2022-04-01. Review status: no assertion criteria provided. Collection method: clinical testing. Allele origin: germline. Not counted in ClinVar's aggregate classification.
Comment: This variant is classified as likely benign based on ACMG/AMP sequence variant interpretation guidelines (Richards et al. 2015 PMID: 25741868, with internal and published modifications).